The following is an entry in ClinVar:

ClinVar aggregate classification (germline): Uncertain significance. Review status: criteria provided, multiple submitters, no conflicts (2 of 4 stars). 4 submissions from 4 submitters: Uncertain significance (3). 1 of the submissions does not count toward it. Last evaluated 2024-06-15.

Conditions:
MAGEL2-related disorder. Also called: MAGEL2-related condition.

Allele frequency attached by ClinVar (database versions not stated): gnomAD exomes below 0.00001; gnomAD 0.00002; TOPMed 0.00002.

Submissions (4):

Labcorp Genetics (formerly Invitae), Labcorp
Classification: Uncertain significance. Last evaluated: 2024-06-15. Review status: criteria provided, single submitter. Criteria: Invitae Variant Classification Sherloc (09022015). Collection method: clinical testing. Allele origin: germline.
Comment: This sequence change replaces glutamine, which is neutral and polar, with proline, which is neutral and non-polar, at codon 1076 of the MAGEL2 protein (p.Gln1076Pro). This variant is present in population databases (no rsID available, gnomAD 0.007%). This variant has not been reported in the literature in individuals affected with MAGEL2-related conditions. ClinVar contains an entry for this variant (Variation ID: 425061). Advanced modeling of protein sequence and biophysical properties (such as structural, functional, and spatial information, amino acid conservation, physicochemical variation, residue mobility, and thermodynamic stability) has been performed at Invitae for this missense variant, however the output from this modeling did not meet the statistical confidence thresholds required to predict the impact of this variant on MAGEL2 protein function. In summary, the available evidence is currently insufficient to determine the role of this variant in disease. Therefore, it has been classified as a Variant of Uncertain Significance.

GeneDx
Classification: Uncertain significance. Last evaluated: 2019-08-22. Review status: criteria provided, single submitter. Criteria: GeneDx Variant Classification Process June 2021. Collection method: clinical testing. Allele origin: germline. Affected: yes.
Comment: In silico analysis, which includes protein predictors and evolutionary conservation, supports a deleterious effect; Has not been previously published as pathogenic or benign to our knowledge

CeGaT Center for Human Genetics Tuebingen
Classification: Uncertain significance. Last evaluated: 2017-02-01. Review status: criteria provided, single submitter. Criteria: CeGaT Center For Human Genetics Tuebingen Variant Classification Criteria Version 2. Collection method: clinical testing. Allele origin: germline. Affected: yes. Observed: 1 variant allele.

PreventionGenetics, part of Exact Sciences
Classification: Uncertain significance for MAGEL2-related condition. Last evaluated: 2023-11-01. Review status: no assertion criteria provided. Collection method: clinical testing. Allele origin: germline. Not counted in ClinVar's aggregate classification.
Comment: The MAGEL2 c.3227A>C variant is predicted to result in the amino acid substitution p.Gln1076Pro. To our knowledge, this variant has not been reported in the literature. This variant is reported in 0.0065% of alleles in individuals of African descent in gnomAD. At this time, the clinical significance of this variant is uncertain due to the absence of conclusive functional and genetic evidence.

NM_019066.5(MAGEL2):c.3227A>C (p.Gln1076Pro)

Gene: MAGEL2 (MAGE family member L2; minus strand). Cytogenetic location: 15q11.2.
Variant type: single nucleotide variant.
Coding change: c.3227A>C on transcript NM_019066.5 (MANE Select); coding-DNA position 3227, A replaced by C.
Protein change: p.Gln1076Pro; replaces glutamine 1076 with proline.
Molecular consequence: missense variant.
Genome position (GRCh38, 1-based): chr15:23,644,516, T>G on the plus strand (A>C on the coding strand, the complement: MAGEL2 is on the minus strand). VCF-style: chr15-23644516-T-G. GRCh37 (hg19) VCF-style: chr15-23889663-T-G.
Other names: short protein forms Q1076P.
Identifiers: ClinVar variation 425061 (VCV000425061.47), dbSNP rs916103983, ClinGen allele CA16621668.